The following is an entry in ClinVar:

NM_000045.4(ARG1):c.308T>C (p.Leu103Ser)

Genes: ARG1 (arginase 1; plus strand), MED23 (mediator complex subunit 23; minus strand). Cytogenetic location: 6q23.2.
Variant type: single nucleotide variant.
Coding change: c.308T>C on transcript NM_000045.4 (MANE Select); coding-DNA position 308, T replaced by C.
Protein change: p.Leu103Ser; replaces leucine 103 with serine.
Molecular consequence: missense variant. On other transcripts: non-coding transcript variant (1), intron variant (3).
Genome position (GRCh38, 1-based): chr6:131,581,221, T>C. VCF-style: chr6-131581221-T-C. GRCh37 (hg19) VCF-style: chr6-131902361-T-C.
Other names: c.332T>C, p.Leu111Ser (NM_001244438.2); c.306-1839T>C (NM_001369020.1); c.4077+6488A>G (NM_001270521.2); c.4095+6488A>G (NM_015979.4); short protein forms L103S, L111S.
Identifiers: ClinVar variation 579897 (VCV000579897.6), dbSNP rs761773853, ClinGen allele CA3999231.

ClinVar aggregate classification (germline): Uncertain significance. Review status: criteria provided, multiple submitters, no conflicts (2 of 4 stars). 2 submissions from 2 submitters: Uncertain significance (2). Last evaluated 2022-06-10.

Conditions:
Inborn genetic diseases. Identifiers: MedGen C0950123, MeSH D030342.
Arginase deficiency. Also called: ARGININEMIA; ARG1 DEFICIENCY; Arginase 1 Deficiency. Identifiers: Orphanet 90, MedGen C0268548, MONDO:0008814, OMIM 207800.

Allele frequency attached by ClinVar (database versions not stated): gnomAD 0.00001; ExAC 0.00002; gnomAD exomes below 0.00001 and 0.00002; TOPMed 0.00001.
gnomAD v4.1: 5 of 1,613,774 alleles (0.00031%); highest among the groups gnomAD compares: Non-Finnish European, 0.00042%; no homozygotes.

Submissions (2):

Labcorp Genetics (formerly Invitae), Labcorp
Classification: Uncertain significance for Arginase deficiency. Last evaluated: 2022-06-10. Review status: criteria provided, single submitter. Criteria: Invitae Variant Classification Sherloc (09022015). Collection method: clinical testing. Allele origin: germline.
Comment: This sequence change replaces leucine, which is neutral and non-polar, with serine, which is neutral and polar, at codon 103 of the ARG1 protein (p.Leu103Ser). This variant is present in population databases (rs761773853, gnomAD 0.003%). This variant has not been reported in the literature in individuals affected with ARG1-related conditions. ClinVar contains an entry for this variant (Variation ID: 579897). Algorithms developed to predict the effect of missense changes on protein structure and function (SIFT, PolyPhen-2, Align-GVGD) all suggest that this variant is likely to be disruptive. In summary, the available evidence is currently insufficient to determine the role of this variant in disease. Therefore, it has been classified as a Variant of Uncertain Significance.

Ambry Genetics
Classification: Uncertain significance for Inborn genetic diseases. Last evaluated: 2022-06-02. Review status: criteria provided, single submitter. Criteria: Ambry Variant Classification Scheme 2023. Collection method: clinical testing. Allele origin: germline.